The following is an entry in ClinVar:

NM_004260.4(RECQL4):c.2434G>A (p.Ala812Thr)

Gene: RECQL4 (RecQ like helicase 4; minus strand). Cytogenetic location: 8q24.3.
Variant type: single nucleotide variant.
Coding change: c.2434G>A on transcript NM_004260.4 (MANE Select); coding-DNA position 2434, G replaced by A.
Protein change: p.Ala812Thr; replaces alanine 812 with threonine.
Molecular consequence: missense variant.
Genome position (GRCh38, 1-based): chr8:144,513,247, C>T on the plus strand (G>A on the coding strand, the complement: RECQL4 is on the minus strand). VCF-style: chr8-144513247-C-T. GRCh37 (hg19) VCF-style: chr8-145738630-C-T.
Other names: short protein forms A812T.
Identifiers: ClinVar variation 406900 (VCV000406900.12), dbSNP rs372372052, ClinGen allele CA4948294.

ClinVar aggregate classification (germline): Uncertain significance. Review status: criteria provided, multiple submitters, no conflicts (2 of 4 stars). 4 submissions from 4 submitters: Uncertain significance (4). Last evaluated 2026-06-24.

Conditions:
RECQL4-related disorder. Also called: RECQL4-related disorders; RECQL4-related condition.
Baller-Gerold syndrome (BGS). Also called: CRANIOSYNOSTOSIS WITH RADIAL DEFECTS. Identifiers: Orphanet 1225, MedGen C0265308, MONDO:0009039, OMIM 218600.

Allele frequency attached by ClinVar (database versions not stated): gnomAD 0.00007; TOPMed 0.00007; ESP Exome Variant Server 0.00008; ExAC 0.00009; gnomAD exomes 0.00009 and 0.00016.

Submissions (4):

PreventionGenetics, part of Exact Sciences
Classification: Uncertain significance for RECQL4-related condition. Last evaluated: 2026-06-24. Review status: criteria provided, single submitter. Criteria: ACMG Guidelines, 2015. Collection method: clinical testing. Allele origin: germline.
Comment: The RECQL4 c.2434G>A variant is predicted to result in the amino acid substitution p.Ala812Thr. To our knowledge, this variant has not been reported in the literature. This variant is reported in 0.016% of alleles in individuals of European (Non-Finnish) descent in gnomAD. At this time, the clinical significance of this variant is uncertain due to the absence of conclusive functional and genetic evidence.

Labcorp Genetics (formerly Invitae), Labcorp
Classification: Uncertain significance for Baller-Gerold syndrome. Last evaluated: 2026-02-01. Review status: criteria provided, single submitter. Criteria: Invitae Variant Classification Sherloc (09022015). Collection method: clinical testing. Allele origin: germline.
Comment: This sequence change replaces alanine, which is neutral and non-polar, with threonine, which is neutral and polar, at codon 812 of the RECQL4 protein (p.Ala812Thr). This variant is present in population databases (rs372372052, gnomAD 0.02%). This variant has not been reported in the literature in individuals affected with RECQL4-related conditions. ClinVar contains an entry for this variant (Variation ID: 406900). Invitae Evidence Modeling of protein sequence and biophysical properties (such as structural, functional, and spatial information, amino acid conservation, physicochemical variation, residue mobility, and thermodynamic stability) indicates that this missense variant is expected to disrupt RECQL4 protein function with a positive predictive value of 80%. In summary, the available evidence is currently insufficient to determine the role of this variant in disease. Therefore, it has been classified as a Variant of Uncertain Significance.

Blueprint Genetics
Classification: Uncertain significance. Last evaluated: 2024-09-01. Review status: criteria provided, single submitter. Criteria: ACMG Guidelines, 2015. Collection method: clinical testing. Allele origin: germline.

GeneDx
Classification: Uncertain significance. Last evaluated: 2023-05-25. Review status: criteria provided, single submitter. Criteria: GeneDx Variant Classification Process June 2021. Collection method: clinical testing. Allele origin: germline. Affected: yes.
Comment: Not observed at significant frequency in large population cohorts (gnomAD); In silico analysis supports that this missense variant has a deleterious effect on protein structure/function; Has not been previously published as pathogenic or benign to our knowledge